The following is an entry in ClinVar:

ClinVar aggregate classification (germline): Pathogenic. Review status: criteria provided, multiple submitters, no conflicts (2 of 4 stars). 4 submissions from 4 submitters: Pathogenic (3). 1 of the submissions does not count toward it. Last evaluated 2023-04-14.

Conditions:
CEP290-related disorder. Also called: CEP290-related condition; CEP290-related disorders. Identifiers: MedGen CN239314.
Bardet-Biedl syndrome 14 (BBS14). Identifiers: Orphanet 110, MedGen C2673874, MONDO:0014442, OMIM 615991.
Leber congenital amaurosis 10 (LCA10). Identifiers: Orphanet 65, MedGen C1857821, MONDO:0012723, OMIM 611755.

Submissions (4):

Women's Health and Genetics/Laboratory Corporation of America, LabCorp
Classification: Pathogenic for CEP290-related disorder. Last evaluated: 2023-04-14. Review status: criteria provided, single submitter. Criteria: LabCorp Variant Classification Summary - May 2015. Collection method: clinical testing. Allele origin: germline.
Comment: Variant summary: CEP290 c.2248_2249delTT (p.Leu750ThrfsX11) results in a premature termination codon, predicted to cause a truncation of the encoded protein or absence of the protein due to nonsense mediated decay, which are commonly known mechanisms for disease. Variants downstream of this position have been classified as pathogenic by our laboratory. The variant was absent in 187158 control chromosomes. c.2248_2249delTT has been reported in the literature in at least one individual affected with CEP290-Related Disorders. These data do not allow any conclusion about variant significance. To our knowledge, no experimental evidence demonstrating an impact on protein function has been reported. One clinical diagnostic laboratory has submitted clinical-significance assessments for this variant to ClinVar after 2014 without evidence for independent evaluation and classified the variant as pathogenic. Based on the evidence outlined above, the variant was classified as pathogenic.

Baylor Genetics
Classification: Pathogenic for Bardet-Biedl syndrome 14. Last evaluated: 2021-12-30. Review status: criteria provided, single submitter. Criteria: ACMG Guidelines, 2015. Collection method: clinical testing. Allele origin: unknown.

CeGaT Center for Human Genetics Tuebingen
Classification: Pathogenic. Last evaluated: 2019-06-01. Review status: criteria provided, single submitter. Criteria: CeGaT Center For Human Genetics Tuebingen Variant Classification Criteria Version 2. Collection method: clinical testing. Allele origin: germline. Affected: yes. Observed: 2 variant alleles.

Molecular Diagnostics Laboratory, Seoul National University Hospital
Classification: Pathogenic for Leber congenital amaurosis 10. Last evaluated: 2014-09-18. Review status: no assertion criteria provided. Collection method: clinical testing. Allele origin: unknown. Affected: yes. Not counted in ClinVar's aggregate classification.

Literature cited by the submitters: PubMed 25445212 (cited by Women's Health and Genetics/Laboratory Corporation of America, LabCorp).

NM_025114.4(CEP290):c.2248_2249del (p.Leu750fs)

Gene: CEP290 (centrosomal protein 290; minus strand). Cytogenetic location: 12q21.32.
Variant type: Deletion.
Coding change: c.2248_2249del on transcript NM_025114.4 (MANE Select); coding-DNA positions 2248 to 2249, 2 bases deleted (TT; older notation c.2248_2249delTT).
Protein change: p.Leu750fs; shifts the reading frame from leucine 750.
Molecular consequence: frameshift variant.
Genome position (GRCh38, 1-based): chr12:88,111,320-88,111,321, AA deleted on the plus strand (TT on the coding strand, the reverse complement: CEP290 is on the minus strand); deleting any 2 consecutive bases within chr12:88,111,320-88,111,323 gives the same sequence; the c. name uses the placement nearest the transcript's 3' end. VCF-style (leftmost placement, unchanged base first): chr12-88111319-TAA-T. GRCh37 (hg19) VCF-style: chr12-88505096-TAA-T.
Other names: c.2248_2249delTT (NM_025114.3); short protein forms L750fs.
Identifiers: ClinVar variation 156378 (VCV000156378.44), dbSNP rs587783010, ClinGen allele CA345952.